The following is an entry in ClinVar:

NM_001184.4(ATR):c.2722T>C (p.Tyr908His)

Gene: ATR (ATR checkpoint kinase; minus strand). Cytogenetic location: 3q23.
Variant type: single nucleotide variant.
Coding change: c.2722T>C on transcript NM_001184.4 (MANE Select); coding-DNA position 2722, T replaced by C.
Protein change: p.Tyr908His; replaces tyrosine 908 with histidine.
Molecular consequence: missense variant.
Genome position (GRCh38, 1-based): chr3:142,553,310, A>G on the plus strand (T>C on the coding strand, the complement: ATR is on the minus strand). VCF-style: chr3-142553310-A-G. GRCh37 (hg19) VCF-style: chr3-142272152-A-G.
Other names: c.2530T>C, p.Tyr844His (NM_001354579.2); c.2722T>C (NM_001184.3); short protein forms Y844H, Y908H.
Identifiers: ClinVar variation 1431293 (VCV001431293.9), dbSNP rs2108462317, ClinGen allele CA354814585.

ClinVar aggregate classification (germline): Uncertain significance. Review status: criteria provided, multiple submitters, no conflicts (2 of 4 stars). 2 submissions from 2 submitters: Uncertain significance (2). Last evaluated 2023-05-12.

Conditions:
Inborn genetic diseases. Identifiers: MedGen C0950123, MeSH D030342.

Submissions (2):

Ambry Genetics
Classification: Uncertain significance for Inborn genetic diseases. Last evaluated: 2023-05-12. Review status: criteria provided, single submitter. Criteria: Ambry Variant Classification Scheme 2023. Collection method: clinical testing. Allele origin: germline.
Comment: The p.Y908H variant (also known as c.2722T>C), located in coding exon 13 of the ATR gene, results from a T to C substitution at nucleotide position 2722. The tyrosine at codon 908 is replaced by histidine, an amino acid with similar properties. This amino acid position is conserved. In addition, this alteration is predicted to be tolerated by in silico analysis. Since supporting evidence is limited at this time, the clinical significance of this alteration remains unclear.

Labcorp Genetics (formerly Invitae), Labcorp
Classification: Uncertain significance. Last evaluated: 2022-07-19. Review status: criteria provided, single submitter. Criteria: Invitae Variant Classification Sherloc (09022015). Collection method: clinical testing. Allele origin: germline.
Comment: This sequence change replaces tyrosine, which is neutral and polar, with histidine, which is basic and polar, at codon 908 of the ATR protein (p.Tyr908His). In summary, the available evidence is currently insufficient to determine the role of this variant in disease. Therefore, it has been classified as a Variant of Uncertain Significance. Algorithms developed to predict the effect of missense changes on protein structure and function are either unavailable or do not agree on the potential impact of this missense change (SIFT: "Deleterious"; PolyPhen-2: "Benign"; Align-GVGD: "Class C0"). ClinVar contains an entry for this variant (Variation ID: 1431293). This variant has not been reported in the literature in individuals affected with ATR-related conditions. This variant is not present in population databases (gnomAD no frequency).